The following is an entry in ClinVar:

NM_015559.3(SETBP1):c.2156G>A (p.Gly719Glu)

Gene: SETBP1 (SET binding protein 1; plus strand). Cytogenetic location: 18q12.3.
Variant type: single nucleotide variant.
Coding change: c.2156G>A on transcript NM_015559.3 (MANE Select); coding-DNA position 2156, G replaced by A.
Protein change: p.Gly719Glu; replaces glycine 719 with glutamic acid.
Molecular consequence: missense variant.
Genome position (GRCh38, 1-based): chr18:44,951,496, G>A. VCF-style: chr18-44951496-G-A. GRCh37 (hg19) VCF-style: chr18-42531461-G-A.
Other names: c.2156G>A, p.Gly719Glu (NM_001379141.1, NM_001379142.1); short protein forms G719E.
Identifiers: ClinVar variation 1309613 (VCV001309613.2), dbSNP rs2145103146, ClinGen allele CA402320522.

ClinVar aggregate classification (germline): Uncertain significance (1 of 4 stars; one submission).

Submission:

GeneDx
Classification: Uncertain significance. Last evaluated: 2019-10-25. Review status: criteria provided, single submitter. Criteria: GeneDx Variant Classification Process June 2021. Collection method: clinical testing. Allele origin: germline. Affected: yes.
Comment: Not observed in large population cohorts (Lek et al., 2016); In silico analysis, which includes protein predictors and evolutionary conservation, supports a deleterious effect; Has not been previously published as pathogenic or benign to our knowledge